The following is an entry in ClinVar:

NM_000038.6(APC):c.8196C>T (p.Asp2732=)

Gene: APC (APC regulator of Wnt signaling pathway; plus strand). Cytogenetic location: 5q22.2.
Variant type: single nucleotide variant.
Coding change: c.8196C>T on transcript NM_000038.6 (MANE Select); coding-DNA position 8196, C replaced by T.
Protein change: p.Asp2732=; no amino-acid change (aspartic acid 2732 retained).
Molecular consequence: synonymous variant.
Genome position (GRCh38, 1-based): chr5:112,843,790, C>T. VCF-style: chr5-112843790-C-T. GRCh37 (hg19) VCF-style: chr5-112179487-C-T.
Other names: c.8196C>T, p.Asp2732= (NM_001127510.3, NM_001354895.2); c.8142C>T, p.Asp2714= (NM_001127511.3); c.8250C>T, p.Asp2750= (NM_001354896.2); c.8226C>T, p.Asp2742= (NM_001354897.2); c.8121C>T, p.Asp2707= (NM_001354898.2); c.8112C>T, p.Asp2704= (NM_001354899.2); c.8073C>T, p.Asp2691= (NM_001354900.2); c.8019C>T, p.Asp2673= (NM_001354901.2); and 5 more.
Identifiers: ClinVar variation 924654 (VCV000924654.15), dbSNP rs1554088957, ClinGen allele CA446211293.
Genomic context (GRCh38, chr5:112,843,790, plus strand): 5'-CATGCGTACCGTGGGTTTGGAAAATCGCCTGAACTCCTTTATTCAGGTGGATGCCCCTGA[C>T]CAAAAAGGAACTGAGATAAAACCAGGACAAAATAATCCTGTCCCTGTATCAGAGACTAAT-3'
Protein context (NP_000029.2, residues 2722-2742): LNSFIQVDAP[Asp2732=]QKGTEIKPGQ

ClinVar aggregate classification (germline): Benign/Likely benign. Review status: criteria provided, multiple submitters, no conflicts (2 of 4 stars). 5 submissions from 5 submitters: Benign (1); Likely benign (4). Last evaluated 2024-04-12.

Conditions:
Familial adenomatous polyposis 1 (FAP1). Also called: FAMILIAL ADENOMATOUS POLYPOSIS 1, ATTENUATED; POLYPOSIS, ADENOMATOUS INTESTINAL. Identifiers: MedGen C2713442, MONDO:0021056, OMIM 175100. Disease mechanism: loss of function.
Hereditary cancer-predisposing syndrome. Also called: Neoplastic Syndromes, Hereditary; Tumor predisposition; Hereditary Cancer Syndrome; Hereditary neoplastic syndrome. Identifiers: Orphanet 140162, MedGen C0027672, MeSH D009386, MONDO:0015356.

gnomAD v4.1: 9 of 1,613,966 alleles (0.00056%); highest among the groups gnomAD compares: Non-Finnish European, 0.00068%; no homozygotes.

Submissions (5):

Myriad Genetics, Inc.
Classification: Benign for Familial adenomatous polyposis 1. Last evaluated: 2024-04-12. Review status: criteria provided, single submitter. Criteria: Myriad Autosomal Dominant, Autosomal Recessive and X-Linked Classification Criteria (2023). Collection method: clinical testing. Allele origin: unknown.
Comment: This variant is considered benign. This variant is a silent/synonymous amino acid change and it is not expected to impact splicing.

Labcorp Genetics (formerly Invitae), Labcorp
Classification: Likely benign for Familial adenomatous polyposis 1. Last evaluated: 2023-04-24. Review status: criteria provided, single submitter. Criteria: Invitae Variant Classification Sherloc (09022015). Collection method: clinical testing. Allele origin: germline.

Ambry Genetics
Classification: Likely benign for Hereditary cancer-predisposing syndrome. Last evaluated: 2021-05-18. Review status: criteria provided, single submitter. Criteria: Ambry Variant Classification Scheme 2023. Collection method: clinical testing. Allele origin: germline.

Sema4
Classification: Likely benign for Hereditary cancer-predisposing syndrome. Last evaluated: 2021-05-01. Review status: criteria provided, single submitter. Criteria: Sema4 Curation Guidelines. Collection method: curation. Allele origin: germline.

Color Diagnostics, LLC DBA Color Health
Classification: Likely benign for Hereditary cancer-predisposing syndrome. Last evaluated: 2019-05-07. Review status: criteria provided, single submitter. Criteria: ACMG Guidelines, 2015. Collection method: clinical testing. Allele origin: germline.